The following is an entry in ClinVar:

ClinVar aggregate classification (germline): Benign. Review status: criteria provided, multiple submitters, no conflicts (2 of 4 stars). 3 submissions from 3 submitters: Benign (2). 1 of the submissions does not count toward it. Last evaluated 2026-01-19.

Conditions:
LAMA5-related disorder. Also called: LAMA5-Related Disorders; LAMA5-related condition.

Allele frequency attached by ClinVar (database versions not stated): gnomAD exomes 0.00056 and 0.00143; ExAC 0.00184; gnomAD 0.00574 and 0.00614; TOPMed 0.00621; ESP Exome Variant Server 0.00630; 1000 Genomes Project 30x 0.00750; 1000 Genomes Project 0.00759.
gnomAD v4.1: 1,739 of 1,612,756 alleles (0.11%); highest among the groups gnomAD compares: African/African-American, 2.1%; 17 homozygotes.

Submissions (3):

Labcorp Genetics (formerly Invitae), Labcorp
Classification: Benign. Last evaluated: 2026-01-19. Review status: criteria provided, single submitter. Criteria: Invitae Variant Classification Sherloc (09022015). Collection method: clinical testing. Allele origin: germline.

Breakthrough Genomics
Classification: Benign. Review status: criteria provided, single submitter. Criteria: ACMG Guidelines, 2015. Collection method: not provided. Allele origin: germline. Inheritance: Autosomal recessive inheritance. Affected: yes.

PreventionGenetics, part of Exact Sciences
Classification: Benign for LAMA5-related condition. Last evaluated: 2019-04-25. Review status: no assertion criteria provided. Collection method: clinical testing. Allele origin: germline. Not counted in ClinVar's aggregate classification.
Comment: This variant is classified as benign based on ACMG/AMP sequence variant interpretation guidelines (Richards et al. 2015 PMID: 25741868, with internal and published modifications).

NM_005560.6(LAMA5):c.4251C>T (p.Ser1417=)

Gene: LAMA5 (laminin subunit alpha 5; minus strand). Cytogenetic location: 20q13.33.
Variant type: single nucleotide variant.
Coding change: c.4251C>T on transcript NM_005560.6 (MANE Select); coding-DNA position 4251, C replaced by T.
Protein change: p.Ser1417=; no amino-acid change (serine 1417 retained).
Molecular consequence: synonymous variant.
Genome position (GRCh38, 1-based): chr20:62,329,040, G>A on the plus strand (C>T on the coding strand, the complement: LAMA5 is on the minus strand). VCF-style: chr20-62329040-G-A. GRCh37 (hg19) VCF-style: chr20-60904096-G-A.
Identifiers: ClinVar variation 785667 (VCV000785667.13), dbSNP rs116309482, ClinGen allele CA9942658.